The following is an entry in ClinVar:

ClinVar aggregate classification (germline): Pathogenic (1 of 4 stars; one submission).

Submission:

Labcorp Genetics (formerly Invitae), Labcorp
Classification: Pathogenic. Last evaluated: 2024-10-23. Review status: criteria provided, single submitter. Criteria: Invitae Variant Classification Sherloc (09022015). Collection method: clinical testing. Allele origin: germline.
Comment: This sequence change creates a premature translational stop signal (p.Gln274Alafs*21) in the COL9A1 gene. It is expected to result in an absent or disrupted protein product. Loss-of-function variants in COL9A1 are known to be pathogenic (PMID: 16909383, 21421862). This variant is not present in population databases (gnomAD no frequency). This variant has not been reported in the literature in individuals affected with COL9A1-related conditions. For these reasons, this variant has been classified as Pathogenic.

Literature cited by the submitters: PubMed 16909383; PubMed 21421862.

NM_001851.6(COL9A1):c.819dup (p.Gln274fs)

Gene: COL9A1 (collagen type IX alpha 1 chain; minus strand). Cytogenetic location: 6q13.
Variant type: Duplication.
Coding change: c.819dup on transcript NM_001851.6 (MANE Select); coding-DNA position 819, one base duplicated (G; older notation c.819dupG).
Protein change: p.Gln274fs; shifts the reading frame from glutamine 274.
Molecular consequence: frameshift variant. On other transcripts: non-coding transcript variant (1).
Genome position (GRCh38, 1-based): chr6:70,281,447, C duplicated on the plus strand (G on the coding strand, the reverse complement: COL9A1 is on the minus strand). VCF-style (leftmost placement, unchanged base first): chr6-70281446-G-GC. GRCh37 (hg19) VCF-style: chr6-70991149-G-GC.
Other names: c.90dup, p.Gln31fs (NM_001377289.1, NM_001377290.1, NM_078485.4); c.819dup, p.Gln274fs (NM_001377291.1); short protein forms Q274fs, Q31fs.
Identifiers: ClinVar variation 3690647 (VCV003690647.2).